The following is an entry in ClinVar:

ClinVar aggregate classification (germline): Benign/Likely benign. Review status: criteria provided, multiple submitters, no conflicts (2 of 4 stars). 13 submissions from 13 submitters: Benign (7); Likely benign (1). 5 of the submissions do not count toward it. Last evaluated 2025-04-09.

Conditions:
Dilated cardiomyopathy 1Y (CMD1Y). Identifiers: Orphanet 154, Orphanet 54260, MedGen C2678476, MONDO:0012744, OMIM 611878.
Hypertrophic cardiomyopathy 3. Also called: TPM1-Related Familial Hypertrophic Cardiomyopathy. Identifiers: MedGen C1861863, MONDO:0007267, OMIM 115196.
Cardiomyopathy (CMYO). Also called: Cardiomyopathies. Identifiers: Orphanet 167848, MedGen C0878544, MONDO:0004994, HP:0001638. Inheritance: Various modes of inheritance.

Allele frequency attached by ClinVar (database versions not stated): gnomAD 0.00052 and 0.00029; gnomAD exomes 0.00072 and 0.00094; ESP Exome Variant Server 0.00031; TOPMed 0.00037; ExAC 0.00115; 1000 Genomes Project 30x 0.00234; 1000 Genomes Project 0.00260.
gnomAD v4.1: 1,139 of 1,614,242 alleles (0.071%); highest among the groups gnomAD compares: South Asian, 0.47%; 6 homozygotes.

Submissions (13):

Molecular Diagnostic Laboratory for Inherited Cardiovascular Disease, Montreal Heart Institute
Classification: Benign. Last evaluated: 2025-04-09. Review status: criteria provided, single submitter. Criteria: ACMG Guidelines, 2015. Collection method: clinical testing. Allele origin: germline. Affected: no.

Blueprint Genetics
Classification: Likely benign. Last evaluated: 2024-11-22. Review status: criteria provided, single submitter. Criteria: ACMG Guidelines, 2015. Collection method: clinical testing. Allele origin: germline.

CeGaT Center for Human Genetics Tuebingen
Classification: Benign. Last evaluated: 2024-11-01. Review status: criteria provided, single submitter. Criteria: CeGaT Center For Human Genetics Tuebingen Variant Classification Criteria Version 2. Collection method: clinical testing. Allele origin: germline. Affected: yes. Observed: 7 variant alleles.
Comment: TPM1: BP4, BS1, BS2

Fulgent Genetics
Classification: Benign for Hypertrophic cardiomyopathy 3; Dilated cardiomyopathy 1Y. Last evaluated: 2021-09-20. Review status: criteria provided, single submitter. Criteria: ACMG Guidelines, 2015. Collection method: clinical testing. Allele origin: unknown.

Color Diagnostics, LLC DBA Color Health
Classification: Benign for Cardiomyopathy. Last evaluated: 2018-06-04. Review status: criteria provided, single submitter. Criteria: ACMG Guidelines, 2015. Collection method: clinical testing. Allele origin: germline.

Laboratory for Molecular Medicine, Mass General Brigham Personalized Medicine
Classification: Benign. Last evaluated: 2015-05-20. Review status: criteria provided, single submitter. Criteria: LMM Criteria. Collection method: clinical testing. Allele origin: germline. Observed: 13 variant alleles.
Comment: p.Ala206Ala in exon 6A of TPM1: This variant is not expected to have clinical si gnificance because it has been identified in 0.6% (96/16504) of South Asian chro mosomes, including 2 homozygotes, by the Exome Aggregation Consortium (ExAC; dbSNP rs144700226).

GeneDx
Classification: Benign. Last evaluated: 2014-03-30. Review status: criteria provided, single submitter. Criteria: GeneDx Variant Classification (06012015). Collection method: clinical testing. Allele origin: germline. Affected: yes.
Comment: This variant is considered likely benign or benign based on one or more of the following criteria: it is a conservative change, it occurs at a poorly conserved position in the protein, it is predicted to be benign by multiple in silico algorithms, and/or has population frequency not consistent with disease.

Breakthrough Genomics
Classification: Benign. Review status: criteria provided, single submitter. Criteria: ACMG Guidelines, 2015. Collection method: not provided. Allele origin: germline. Inheritance: Autosomal dominant inheritance. Affected: yes.

Clinical Genetics DNA and cytogenetics Diagnostics Lab, Erasmus MC, Erasmus Medical Center
Classification: Likely benign. Review status: no assertion criteria provided. Collection method: clinical testing. Allele origin: germline. Affected: yes. Study: VKGL Data-share Consensus. Not counted in ClinVar's aggregate classification.

Clinical Genetics, Academic Medical Center
Classification: Benign. Review status: no assertion criteria provided. Collection method: clinical testing. Allele origin: germline. Affected: yes. Study: VKGL Data-share Consensus. Not counted in ClinVar's aggregate classification.

Diagnostic Laboratory, Department of Genetics, University Medical Center Groningen
Classification: Likely benign. Review status: no assertion criteria provided. Collection method: clinical testing. Allele origin: germline. Affected: yes. Study: VKGL Data-share Consensus. Not counted in ClinVar's aggregate classification.

Genome Diagnostics Laboratory, University Medical Center Utrecht
Classification: Likely benign. Review status: no assertion criteria provided. Collection method: clinical testing. Allele origin: germline. Affected: yes. Study: VKGL Data-share Consensus. Not counted in ClinVar's aggregate classification.

Joint Genome Diagnostic Labs from Nijmegen and Maastricht, Radboudumc and MUMC+
Classification: Likely benign. Review status: no assertion criteria provided. Collection method: clinical testing. Allele origin: germline. Affected: yes. Study: VKGL Data-share Consensus. Not counted in ClinVar's aggregate classification.

NM_001018005.2(TPM1):c.563+313A>G

Gene: TPM1 (tropomyosin 1; plus strand). Cytogenetic location: 15q22.2.
Variant type: single nucleotide variant.
Coding change: c.563+313A>G on transcript NM_001018005.2 (MANE Select); 313 bases into the intron after coding-DNA position 563, A replaced by G.
Molecular consequence: intron variant. On other transcripts: synonymous variant (6).
Genome position (GRCh38, 1-based): chr15:63,061,252, A>G. VCF-style: chr15-63061252-A-G. GRCh37 (hg19) VCF-style: chr15-63353451-A-G.
Other names: p.A206A:GCA>GCG; c.618A>G, p.Ala206= (NM_000366.6, NM_001018006.2, NM_001018020.2); c.510A>G, p.Ala170= (NM_001330344.2, NM_001330351.2, NM_001365781.2); c.689+313A>G (NM_001365778.1); c.563+313A>G (NM_001018007.2, NM_001365776.1, NM_001018004.2 and 3 more transcripts); c.455+313A>G (NM_001018008.2, NM_001301289.2, NM_001365782.1 and 2 more transcripts).
Identifiers: ClinVar variation 43430 (VCV000043430.48), dbSNP rs144700226, ClinGen allele CA018174.
Genomic context (GRCh38, chr15:63,061,252, plus strand): 5'-TAACAGCCAAGTCCGACAGCTGGAAGAACAATTAAGAATAATGGATCAGACCTTGAAAGC[A>G]TTAATGGCTGCAGAGGATAAGGTACTGATGGCTCGTGTGGTTTTTAGGTTTAACTGCAAC-3'